The following is an entry in ClinVar:

ClinVar aggregate classification (germline): Pathogenic (1 of 4 stars; one submission).

Submission:

Labcorp Genetics (formerly Invitae), Labcorp
Classification: Pathogenic. Last evaluated: 2021-07-02. Review status: criteria provided, single submitter. Criteria: Invitae Variant Classification Sherloc (09022015). Collection method: clinical testing. Allele origin: germline.
Comment: This sequence change creates a premature translational stop signal (p.Arg478Lysfs*21) in the ELP1 gene. It is expected to result in an absent or disrupted protein product. Loss-of-function variants in ELP1 are known to be pathogenic (PMID: 18303054, 24173031). This variant is not present in population databases (ExAC no frequency). For these reasons, this variant has been classified as Pathogenic. This variant has not been reported in the literature in individuals affected with ELP1-related conditions.

Literature cited by the submitters: PubMed 18303054; PubMed 24173031.

NM_003640.5(ELP1):c.1433del (p.Arg478fs)

Gene: ELP1 (elongator acetyltransferase complex subunit 1; minus strand). Cytogenetic location: 9q31.3.
Variant type: Deletion.
Coding change: c.1433del on transcript NM_003640.5 (MANE Select); coding-DNA position 1433, one base deleted (G; older notation c.1433delG).
Protein change: p.Arg478fs; shifts the reading frame from arginine 478.
Molecular consequence: frameshift variant.
Genome position (GRCh38, 1-based): chr9:108,908,332, C deleted on the plus strand (G on the coding strand, the reverse complement: ELP1 is on the minus strand). VCF-style (leftmost placement, unchanged base first): chr9-108908331-TC-T. GRCh37 (hg19) VCF-style: chr9-111670611-TC-T.
Other names: c.1091del, p.Arg364fs (NM_001318360.2); c.386del, p.Arg129fs (NM_001330749.2); short protein forms R129fs, R364fs, R478fs.
Identifiers: ClinVar variation 1460208 (VCV001460208.6), dbSNP rs2132007757, ClinGen allele CA2573143743.